The following is an entry in ClinVar:

ClinVar aggregate classification (germline): Likely benign (1 of 4 stars; one submission).

Allele frequency attached by ClinVar (database versions not stated): 1000 Genomes Project 0.00020; ExAC 0.00024; TOPMed 0.00028; 1000 Genomes Project 30x 0.00031; gnomAD 0.00036; ESP Exome Variant Server 0.00038; gnomAD exomes 0.00067.
gnomAD v4.1: 1,036 of 1,613,728 alleles (0.064%); highest among the groups gnomAD compares: Non-Finnish European, 0.083%; 2 homozygotes.

Submission:

CeGaT Center for Human Genetics Tuebingen
Classification: Likely benign. Last evaluated: 2022-11-01. Review status: criteria provided, single submitter. Criteria: CeGaT Center For Human Genetics Tuebingen Variant Classification Criteria Version 2. Collection method: clinical testing. Allele origin: germline. Affected: yes. Observed: 1 variant allele.
Comment: YTHDC2: BP4, BP7

NM_022828.5(YTHDC2):c.2704A>C (p.Arg902=)

Gene: YTHDC2 (YTH N6-methyladenosine RNA binding protein C2; plus strand). Cytogenetic location: 5q22.2.
Variant type: single nucleotide variant.
Coding change: c.2704A>C on transcript NM_022828.5 (MANE Select); coding-DNA position 2704, A replaced by C.
Protein change: p.Arg902=; no amino-acid change (arginine 902 retained).
Molecular consequence: synonymous variant.
Genome position (GRCh38, 1-based): chr5:113,564,120, A>C. VCF-style: chr5-113564120-A-C. GRCh37 (hg19) VCF-style: chr5-112899817-A-C.
Other names: c.2218A>C, p.Arg740= (NM_001345975.2); c.1804A>C, p.Arg602= (NM_001345976.2).
Identifiers: ClinVar variation 2655641 (VCV002655641.24), dbSNP rs147487531, ClinGen allele CA3372216.
Genomic context (GRCh38, chr5:113,564,120, plus strand): 5'-GCTATGCTTTGTAGGAAACGTTTTACTGCAGGAGCTTTCAGTGACCATATGGCACTTCTC[A>C]GAGCATTCCAGGTACTATTACTGTCATTTTATTTCTGAAGACGTTGCTGGGTAAACACGT-3'
Protein context (NP_073739.3, residues 892-912): GAFSDHMALL[Arg902=]AFQAWQKARS